The following is an entry in ClinVar:

NM_001160372.4(TRAPPC9):c.73A>G (p.Ile25Val)

Gene: TRAPPC9 (trafficking protein particle complex subunit 9; minus strand). Cytogenetic location: 8q24.3.
Variant type: single nucleotide variant.
Coding change: c.73A>G on transcript NM_001160372.4 (MANE Select); coding-DNA position 73, A replaced by G.
Protein change: p.Ile25Val; replaces isoleucine 25 with valine.
Molecular consequence: missense variant. On other transcripts: non-coding transcript variant (1).
Genome position (GRCh38, 1-based): chr8:140,451,301, T>C on the plus strand (A>G on the coding strand, the complement: TRAPPC9 is on the minus strand). VCF-style: chr8-140451301-T-C. GRCh37 (hg19) VCF-style: chr8-141461400-T-C.
Other names: c.73A>G, p.Ile25Val (NM_001321646.2, NM_001374682.1, NM_001374683.1 and 2 more transcripts); short protein forms I25V.
Identifiers: ClinVar variation 1207429 (VCV001207429.8), dbSNP rs571468082, ClinGen allele CA4893807.
Genomic context (GRCh38, chr8:140,451,301, plus strand): 5'-TGATCTGACTCACAGAGCAAATCCTCTTATAGATCCTGAAGAAGTTCTCCTCGGAGACGA[T>C]GCCCACAGGCTGGACCACCACGAGCAGCGTCTGGTGGTCCTCAGCACACTGCATGTAGTC-3'
Protein context (NP_001153844.1, residues 15-35): TLLVVVQPVG[Ile25Val]VSEENFFRIY

ClinVar aggregate classification (germline): Conflicting classifications of pathogenicity. Review status: criteria provided, conflicting classifications (1 of 4 stars). 3 submissions from 3 submitters: Uncertain significance (2); Likely benign (1). Last evaluated 2023-06-28.

Conditions:
Inborn genetic diseases. Identifiers: MedGen C0950123, MeSH D030342.

Allele frequency attached by ClinVar (database versions not stated): gnomAD 0.00001 and 0.00007; TOPMed 0.00002; gnomAD exomes 0.00010 and 0.00024; ExAC 0.00028; 1000 Genomes Project 30x 0.00062; 1000 Genomes Project 0.00080.
gnomAD v4.1: 161 of 1,609,366 alleles (0.01%); highest among the groups gnomAD compares: South Asian, 0.17%; 1 homozygote.

Submissions (3):

Ambry Genetics
Classification: Likely benign for Inborn genetic diseases. Last evaluated: 2023-06-28. Review status: criteria provided, single submitter. Criteria: Ambry Variant Classification Scheme 2023. Collection method: clinical testing. Allele origin: germline.

Labcorp Genetics (formerly Invitae), Labcorp
Classification: Uncertain significance. Last evaluated: 2021-11-28. Review status: criteria provided, single submitter. Criteria: Invitae Variant Classification Sherloc (09022015). Collection method: clinical testing. Allele origin: germline.
Comment: This variant has not been reported in the literature in individuals affected with TRAPPC9-related conditions. In summary, the available evidence is currently insufficient to determine the role of this variant in disease. Therefore, it has been classified as a Variant of Uncertain Significance. Algorithms developed to predict the effect of missense changes on protein structure and function output the following: SIFT: "Not Available"; PolyPhen-2: "Benign"; Align-GVGD: "Not Available". The valine amino acid residue is found in multiple mammalian species, which suggests that this missense change does not adversely affect protein function. ClinVar contains an entry for this variant (Variation ID: 1207429). This variant is present in population databases (rs571468082, gnomAD 0.2%). This sequence change replaces isoleucine, which is neutral and non-polar, with valine, which is neutral and non-polar, at codon 123 of the TRAPPC9 protein (p.Ile123Val).

GeneDx
Classification: Uncertain significance. Last evaluated: 2019-12-04. Review status: criteria provided, single submitter. Criteria: GeneDx Variant Classification Process June 2021. Collection method: clinical testing. Allele origin: germline. Affected: yes.
Comment: In silico analysis, which includes protein predictors and evolutionary conservation, supports that this variant does not alter protein structure/function; Has not been previously published as pathogenic or benign to our knowledge